The following is an entry in ClinVar:

NM_000553.6(WRN):c.255G>A (p.Trp85Ter)

Gene: WRN (WRN RecQ like helicase; plus strand). Cytogenetic location: 8p12.
Variant type: single nucleotide variant.
Coding change: c.255G>A on transcript NM_000553.6 (MANE Select); coding-DNA position 255, G replaced by A.
Protein change: p.Trp85Ter; replaces tryptophan 85 with a stop codon.
Molecular consequence: nonsense.
Genome position (GRCh38, 1-based): chr8:31,064,334, G>A. VCF-style: chr8-31064334-G-A. GRCh37 (hg19) VCF-style: chr8-30921850-G-A.
Other names: short protein forms W85*.
Identifiers: ClinVar variation 1451171 (VCV001451171.6), dbSNP rs2130032264, ClinGen allele CA370914039.

ClinVar aggregate classification (germline): Pathogenic (1 of 4 stars; one submission).

Conditions:
Werner syndrome (WRN). Identifiers: Orphanet 902, MedGen C0043119, MONDO:0010196, OMIM 277700.

Submission:

Labcorp Genetics (formerly Invitae), Labcorp
Classification: Pathogenic for Werner syndrome. Last evaluated: 2023-09-06. Review status: criteria provided, single submitter. Criteria: Invitae Variant Classification Sherloc (09022015). Collection method: clinical testing. Allele origin: germline.
Comment: This sequence change creates a premature translational stop signal (p.Trp85*) in the WRN gene. It is expected to result in an absent or disrupted protein product. Loss-of-function variants in WRN are known to be pathogenic (PMID: 16673358). This variant is not present in population databases (gnomAD no frequency). This variant has not been reported in the literature in individuals affected with WRN-related conditions. ClinVar contains an entry for this variant (Variation ID: 1451171). For these reasons, this variant has been classified as Pathogenic.

Literature cited by the submitters: PubMed 16673358.